The following is an entry in ClinVar:

NM_001754.5(RUNX1):c.317G>A (p.Trp106Ter)

Gene: RUNX1 (RUNX family transcription factor 1; minus strand). Cytogenetic location: 21q22.12.
Variant type: single nucleotide variant.
Coding change: c.317G>A on transcript NM_001754.5 (MANE Select); coding-DNA position 317, G replaced by A.
Protein change: p.Trp106Ter; replaces tryptophan 106 with a stop codon.
Molecular consequence: nonsense.
Genome position (GRCh38, 1-based): chr21:34,886,877, C>T on the plus strand (G>A on the coding strand, the complement: RUNX1 is on the minus strand). VCF-style: chr21-34886877-C-T. GRCh37 (hg19) VCF-style: chr21-36259174-C-T.
Other names: NM_001754.5(RUNX1):c.317G>A; p.Trp106Ter; c.236G>A, p.Trp79Ter (NM_001001890.3, NM_001122607.2); short protein forms W106*, W79*.
Identifiers: ClinVar variation 988835 (VCV000988835.2), dbSNP rs2057998110, ClinGen allele CA410203506.
Genomic context (GRCh38, chr21:34,886,877, plus strand): 5'-TCCCACCACCCTCTCCGGGCCAGTACCTTGAAAGCGATGGGCAGGGTCTTGTTGCAGCGC[C>T]AGTGCGTAGGCAGCACGGAGCAGAGGAAGTTGGGGCTGTCGGTGCGCACCAGCTCGCCCG-3'

ClinVar aggregate classification (germline): Pathogenic. Review status: reviewed by expert panel (3 of 4 stars). 2 submissions from 2 submitters: Pathogenic (1). 1 of the submissions does not count toward it. Last evaluated 2022-01-22.

Conditions:
Abnormal bleeding. Also called: Bleeding diathesis. Identifiers: MedGen C1458140, HP:0001892.
Thrombocytopenia. Identifiers: MedGen C0040034, MeSH D013921, MONDO:0002049, HP:0001873.
Hereditary thrombocytopenia and hematologic cancer predisposition syndrome. Identifiers: Orphanet 71290, MedGen CN281654, MONDO:0011071.

Submissions (2):

ClinGen Myeloid Malignancy Variant Curation Expert Panel
Classification: Pathogenic for Hereditary thrombocytopenia and hematologic cancer predisposition syndrome. Last evaluated: 2022-01-22. Review status: reviewed by expert panel. Criteria: ClinGen MyeloMalig ACMG Specifications v2. Collection method: curation. Allele origin: germline. Inheritance: Autosomal dominant inheritance.
Comment: The NM_001754.5(RUNX1):c.317G>A (p.Trp106Ter) variant is a nonsense variant that is predicted to introduce a premature stop codon and expected to result in nonsense-mediated mRNA decay (PVS1). This variant is completely absent from all population databases with at least 20x coverage for RUNX1 (PM2_Supporting). The variant has been reported in one proband meeting at least one of the RUNX1-phenotypic criteria (PS4_Supporting; PMID: 24100448). In summary, this variant meets criteria to be classified as pathogenic. ACMG/AMP criteria applied, as specified by the Myeloid Malignancy Variant Curation Expert Panel for RUNX1: PVS1, PM2_Supporting and PS4_Supporting.

Birmingham Platelet Group; University of Birmingham
Classification: Pathogenic for Thrombocytopenia; Abnormal bleeding. Last evaluated: 2020-05-01. Review status: no assertion criteria provided. Collection method: research. Allele origin: germline. Affected: yes. Not counted in ClinVar's aggregate classification.